The following is an entry in ClinVar:

ClinVar aggregate classification (germline): Conflicting classifications of pathogenicity. Review status: criteria provided, conflicting classifications (1 of 4 stars). 4 submissions from 4 submitters: Uncertain significance (2); Likely benign (2). Last evaluated 2025-12-15.

Conditions:
Inborn genetic diseases. Identifiers: MedGen C0950123, MeSH D030342.
COL2A1-related disorder. Also called: COL2A1-related condition; COL2A1-related disorders.

Allele frequency attached by ClinVar (database versions not stated): gnomAD exomes 0.00001 and 0.00004; ExAC 0.00002; TOPMed 0.00002; gnomAD 0.00003 and 0.00004; ESP Exome Variant Server 0.00008.
gnomAD v4.1: 71 of 1,614,022 alleles (0.0044%); highest among the groups gnomAD compares: Non-Finnish European, 0.0056%; no homozygotes.

Submissions (4):

PreventionGenetics, part of Exact Sciences
Classification: Uncertain significance for COL2A1-related condition. Last evaluated: 2025-12-15. Review status: criteria provided, single submitter. Criteria: ACMG Guidelines, 2015. Collection method: clinical testing. Allele origin: germline.
Comment: The COL2A1 c.4103C>T variant is predicted to result in the amino acid substitution p.Pro1368Leu. To our knowledge, this variant has not been reported in the literature. This variant is reported in 0.0023% of alleles in individuals of European (Non-Finnish) descent in gnomAD. At this time, the clinical significance of this variant is uncertain due to the absence of conclusive functional and genetic evidence.

Labcorp Genetics (formerly Invitae), Labcorp
Classification: Likely benign. Last evaluated: 2025-12-10. Review status: criteria provided, single submitter. Criteria: Invitae Variant Classification Sherloc (09022015). Collection method: clinical testing. Allele origin: germline.

Ambry Genetics
Classification: Uncertain significance for Inborn genetic diseases. Last evaluated: 2021-07-28. Review status: criteria provided, single submitter. Criteria: Ambry Variant Classification Scheme 2023. Collection method: clinical testing. Allele origin: germline.

GeneDx
Classification: Likely benign. Last evaluated: 2019-01-22. Review status: criteria provided, single submitter. Criteria: GeneDx Variant Classification Process June 2021. Collection method: clinical testing. Allele origin: germline. Affected: yes.

NM_001844.5(COL2A1):c.4103C>T (p.Pro1368Leu)

Gene: COL2A1 (collagen type II alpha 1 chain; minus strand). Cytogenetic location: 12q13.11.
Variant type: single nucleotide variant.
Coding change: c.4103C>T on transcript NM_001844.5 (MANE Select); coding-DNA position 4103, C replaced by T.
Protein change: p.Pro1368Leu; replaces proline 1368 with leucine.
Molecular consequence: missense variant.
Genome position (GRCh38, 1-based): chr12:47,974,303, G>A on the plus strand (C>T on the coding strand, the complement: COL2A1 is on the minus strand). VCF-style: chr12-47974303-G-A. GRCh37 (hg19) VCF-style: chr12-48368086-G-A.
Other names: c.3896C>T, p.Pro1299Leu (NM_033150.3); short protein forms P1299L, P1368L.
Identifiers: ClinVar variation 1179855 (VCV001179855.12), dbSNP rs149375186, ClinGen allele CA6534535.
Genomic context (GRCh38, chr12:47,974,303, plus strand): 5'-TTCTGGGAGCCTTCCGTGGACAGCAGGCGTAGGAAGGTCATCTGGACGTTGGCAGTGTTG[G>A]GAGCCAGATTGTCATCTCCATAGCTGAACTGTTGGGGCAGAGAGCGGCAGTGTGAGGCCT-3'
Protein context (NP_001835.3, residues 1358-1378): HFSYGDDNLA[Pro1368Leu]NTANVQMTFL